The following is an entry in ClinVar:

ClinVar aggregate classification (germline): Uncertain significance. Review status: criteria provided, multiple submitters, no conflicts (2 of 4 stars). 2 submissions from 2 submitters: Uncertain significance (2). Last evaluated 2022-08-01.

Conditions:
Diamond-Blackfan anemia 13 (DBA13). Identifiers: Orphanet 124, MedGen C4014641, MONDO:0014394, OMIM 615909.

Submissions (2):

CeGaT Center for Human Genetics Tuebingen
Classification: Uncertain significance. Last evaluated: 2022-08-01. Review status: criteria provided, single submitter. Criteria: CeGaT Center For Human Genetics Tuebingen Variant Classification Criteria Version 2. Collection method: clinical testing. Allele origin: germline. Affected: yes. Observed: 1 variant allele.
Comment: RPS29: PM2, BP4

Broad Center for Mendelian Genomics, Broad Institute of MIT and Harvard
Classification: Uncertain significance for Diamond-Blackfan anemia 13. Last evaluated: 2018-12-03. Review status: criteria provided, single submitter. Criteria: ACMG Guidelines, 2015. Collection method: research. Allele origin: germline. Inheritance: Autosomal dominant inheritance. Affected: yes.
Comment: However, Diamond-Blackfan anemia caused by RPS29 genetic variants is known to show incomplete penetrance and variable expressivity (PMID: 24829207). Please note that for diseases with clinical variability, or reduced penetrance, pathogenic variants may be present at a low frequency in the general population. This variant was absent from large populational studies. Computational prediction tools and conservation analyses suggest that this variant may not impact the protein, though this information is not predictive enough to rule out pathogenicity. However, RNA-seq of this variant, conducted by our study, showed aberrant splicing and nonsense transcripts. A variant (c.63-3C>A) that is predicted to impact the same splice site has been reported in at least one individual with Diamond-Blackfan anemia in ClinVar and the literature (Variation ID: 449694). In summary, while there is some suspicion for a pathogenic role, the clinical significance of this variant is uncertain. ACMG/AMP Criteria applied: PM2, PS3, BP4 (Richards 2015).

Literature cited by the submitters: PubMed 24829207 (cited by Broad Center for Mendelian Genomics, Broad Institute of MIT and Harvard).

NM_001032.5(RPS29):c.63-6T>G

Gene: RPS29 (ribosomal protein S29; minus strand). Cytogenetic location: 14q21.3.
Variant type: single nucleotide variant.
Coding change: c.63-6T>G on transcript NM_001032.5 (MANE Select); 6 bases into the intron before coding-DNA position 63, T replaced by G.
Molecular consequence: intron variant.
Genome position (GRCh38, 1-based): chr14:49,586,055, A>C on the plus strand (T>G on the coding strand, the complement: RPS29 is on the minus strand). VCF-style: chr14-49586055-A-C. GRCh37 (hg19) VCF-style: chr14-50052773-A-C.
Other names: c.63-6T>G (NM_001030001.4); c.54-6T>G (NM_001351375.2).
Identifiers: ClinVar variation 813931 (VCV000813931.31), dbSNP rs1594573747, ClinGen allele CA658820698.
Genomic context (GRCh38, chr14:49,586,055, plus strand): 5'-GCACATATTGAGGCCATATTTCCGGATCAGACCGTGCCGGTTTGAACAGACACGACTGTA[A>C]GAAAAGAGACAGCGGTTTTGCAGGTCATAGAAATTACAAGACTCCGCACTCAGACGGCTA-3'